The following is an entry in ClinVar:

ClinVar aggregate classification (germline): Conflicting classifications of pathogenicity. Review status: criteria provided, conflicting classifications (1 of 4 stars). 2 submissions from 2 submitters: Uncertain significance (1); Likely benign (1). Last evaluated 2025-09-21.

Allele frequency attached by ClinVar (database versions not stated): gnomAD exomes 0.00002 and 0.00005; ExAC 0.00008; ESP Exome Variant Server 0.00016; 1000 Genomes Project 0.00020; gnomAD 0.00027 and 0.00029; 1000 Genomes Project 30x 0.00031; TOPMed 0.00037.

Submissions (2):

Labcorp Genetics (formerly Invitae), Labcorp
Classification: Likely benign. Last evaluated: 2025-09-21. Review status: criteria provided, single submitter. Criteria: Invitae Variant Classification Sherloc (09022015). Collection method: clinical testing. Allele origin: germline.

GeneDx
Classification: Uncertain significance. Last evaluated: 2020-11-09. Review status: criteria provided, single submitter. Criteria: GeneDx Variant Classification Process June 2021. Collection method: clinical testing. Allele origin: germline. Affected: yes.
Comment: In silico analysis supports that this variant does not alter splicing; Has not been previously published as pathogenic or benign to our knowledge

NM_014208.3(DSPP):c.777T>C (p.Ser259=)

Genes: DMP1-AS1 (DMP1 and DSPP antisense RNA 1; minus strand), DSPP (dentin sialophosphoprotein; plus strand). Cytogenetic location: 4q22.1.
Variant type: single nucleotide variant.
Coding change: c.777T>C on transcript NM_014208.3 (MANE Select); coding-DNA position 777, T replaced by C.
Protein change: p.Ser259=; no amino-acid change (serine 259 retained).
Molecular consequence: synonymous variant.
Genome position (GRCh38, 1-based): chr4:87,612,963, T>C. VCF-style: chr4-87612963-T-C. GRCh37 (hg19) VCF-style: chr4-88534115-T-C.
Identifiers: ClinVar variation 726058 (VCV000726058.7), dbSNP rs377300383, ClinGen allele CA3000951.
Genomic context (GRCh38, chr4:87,612,963, plus strand): 5'-GGATAATTCCGATGGGAGTCCTAGTGGGAATGGAGCAGATGAGGATGAAGACGAGGGTTC[T>C]GGTGATGATGAAGATGAAGAAGCAGGGAATGGAAAAGACAGTAGTAATAACAGCAAGGGC-3'
Protein context (NP_055023.2, residues 249-269): NGADEDEDEG[Ser259=]GDDEDEEAGN